The following is an entry in ClinVar:

ClinVar aggregate classification (germline): Uncertain significance (1 of 4 stars; one submission).

Conditions:
Emery-Dreifuss muscular dystrophy (EDMD). Also called: Scapuloperoneal syndrome, X-linked (formerly); Humeroperoneal neuromuscular disease, (formerly). Identifiers: Orphanet 261, MedGen C0410189, MONDO:0016830.

Allele frequency attached by ClinVar (database versions not stated): TOPMed 0.00001; gnomAD 0.00002; gnomAD exomes 0.00002 and 0.00003; ExAC 0.00003.

Submission:

Labcorp Genetics (formerly Invitae), Labcorp
Classification: Uncertain significance for Emery-Dreifuss muscular dystrophy. Last evaluated: 2019-09-09. Review status: criteria provided, single submitter. Criteria: Invitae Variant Classification Sherloc (09022015). Collection method: clinical testing. Allele origin: germline.
Comment: In summary, the available evidence is currently insufficient to determine the role of this variant in disease. Therefore, it has been classified as a Variant of Uncertain Significance. Algorithms developed to predict the effect of missense changes on protein structure and function are either unavailable or do not agree on the potential impact of this missense change (SIFT: "Deleterious"; PolyPhen-2: "Probably Damaging"; Align-GVGD: "Class C0"). This variant has not been reported in the literature in individuals with SUN2-related conditions. This variant is present in population databases (rs776343176, ExAC 0.005%). This sequence change replaces tyrosine with cysteine at codon 181 of the SUN2 protein (p.Tyr181Cys). The tyrosine residue is moderately conserved and there is a large physicochemical difference between tyrosine and cysteine.

NM_015374.3(SUN2):c.542A>G (p.Tyr181Cys)

Gene: SUN2 (Sad1 and UNC84 domain containing 2; minus strand). Cytogenetic location: 22q13.1.
Variant type: single nucleotide variant.
Coding change: c.542A>G on transcript NM_015374.3 (MANE Select); coding-DNA position 542, A replaced by G.
Protein change: p.Tyr181Cys; replaces tyrosine 181 with cysteine.
Molecular consequence: missense variant.
Genome position (GRCh38, 1-based): chr22:38,749,838, T>C on the plus strand (A>G on the coding strand, the complement: SUN2 is on the minus strand). VCF-style: chr22-38749838-T-C. GRCh37 (hg19) VCF-style: chr22-39145843-T-C.
Other names: c.605A>G, p.Tyr202Cys (NM_001199579.2); c.542A>G, p.Tyr181Cys (NM_001199580.2); short protein forms Y181C, Y202C.
Identifiers: ClinVar variation 955719 (VCV000955719.9), dbSNP rs776343176, ClinGen allele CA10235877.
Genomic context (GRCh38, chr22:38,749,838, plus strand): 5'-AAGACGTCAAGGAGGGAGGCAGCTGTGGTCAGGCGGTACCAGGTGGTGCCAGCCCACCAG[T>C]AGAGAAGTCTGAAGAGCCGGCCTGGAAGAATGACCATCAAGCCGAAGGCTCCATATGGTG-3'
Protein context (NP_056189.1, residues 171-191): TSPGRLFRLL[Tyr181Cys]WWAGTTWYRL